The following is an entry in ClinVar:

NM_001987.5(ETV6):c.1104C>G (p.Phe368Leu)

Genes: ETV6 (ETS variant transcription factor 6; plus strand), LOC126861452 (CDK7 strongly-dependent group 2 enhancer GRCh37_chr12:12037195-12038394; plus strand). Cytogenetic location: 12p13.2.
Variant type: single nucleotide variant.
Coding change: c.1104C>G on transcript NM_001987.5 (MANE Select); coding-DNA position 1104, C replaced by G.
Protein change: p.Phe368Leu; replaces phenylalanine 368 with leucine.
Molecular consequence: missense variant. On other transcripts: intron variant (1).
Genome position (GRCh38, 1-based): chr12:11,884,539, C>G. VCF-style: chr12-11884539-C-G. GRCh37 (hg19) VCF-style: chr12-12037473-C-G.
Other names: c.1101C>G, p.Phe367Leu (NM_001413913.1); c.1077C>G, p.Phe359Leu (NM_001413914.1); c.840C>G, p.Phe280Leu (NM_001413915.1); c.1010-6402C>G (NM_001413917.1); short protein forms F359L, F368L, F367L, F280L.
Identifiers: ClinVar variation 4745123 (VCV004745123.1).

ClinVar aggregate classification (germline): Uncertain significance (1 of 4 stars; one submission).

Submission:

Labcorp Genetics (formerly Invitae), Labcorp
Classification: Uncertain significance. Last evaluated: 2025-09-29. Review status: criteria provided, single submitter. Criteria: Invitae Variant Classification Sherloc (09022015). Collection method: clinical testing. Allele origin: germline.
Comment: This sequence change replaces phenylalanine, which is neutral and non-polar, with leucine, which is neutral and non-polar, at codon 368 of the ETV6 protein (p.Phe368Leu). This variant is not present in population databases (gnomAD no frequency). This missense change has been observed in individual(s) with ETV6-related conditions (PMID: 26522332, 35295078). Invitae Evidence Modeling of protein sequence and biophysical properties (such as structural, functional, and spatial information, amino acid conservation, physicochemical variation, residue mobility, and thermodynamic stability) indicates that this missense variant is expected to disrupt ETV6 protein function with a positive predictive value of 80%. In summary, the available evidence is currently insufficient to determine the role of this variant in disease. Therefore, it has been classified as a Variant of Uncertain Significance.

Literature cited by the submitters: PubMed 26522332; PubMed 35295078.